The following is an entry in ClinVar:

NM_022437.3(ABCG8):c.165+3A>G

Gene: ABCG8 (ATP binding cassette subfamily G member 8; plus strand). Cytogenetic location: 2p21.
Variant type: single nucleotide variant.
Coding change: c.165+3A>G on transcript NM_022437.3 (MANE Select); 3 bases into the intron after coding-DNA position 165, A replaced by G.
Molecular consequence: intron variant.
Genome position (GRCh38, 1-based): chr2:43,844,611, A>G. VCF-style: chr2-43844611-A-G. GRCh37 (hg19) VCF-style: chr2-44071750-A-G.
Other names: c.165+3A>G (NM_001357321.2).
Identifiers: ClinVar variation 3227775 (VCV003227775.1), dbSNP rs1224464053, ClinGen allele CA532282023.

ClinVar aggregate classification (germline): Uncertain significance (1 of 4 stars; one submission).

Conditions:
Cardiovascular phenotype. Identifiers: MedGen CN230736.

Allele frequency attached by ClinVar (database versions not stated): gnomAD exomes below 0.00001.
gnomAD v4.1: 3 of 1,607,690 alleles (0.00019%); highest among the groups gnomAD compares: Non-Finnish European, 0.00026%; no homozygotes.

Submission:

Ambry Genetics
Classification: Uncertain significance for Cardiovascular phenotype. Last evaluated: 2023-11-03. Review status: criteria provided, single submitter. Criteria: Ambry Variant Classification Scheme 2023. Collection method: clinical testing. Allele origin: germline.
Comment: The c.165+3A>G intronic variant results from an A to G substitution 3 nucleotides after coding exon 2 in the ABCG8 gene. This nucleotide position is highly conserved in available vertebrate species. In silico splice site analysis predicts that this alteration may weaken the native splice donor site and will result in the creation or strengthening of a novel splice donor site. Since supporting evidence is limited at this time, the clinical significance of this alteration remains unclear.